The following is an entry in ClinVar:

ClinVar aggregate classification (germline): Uncertain significance (1 of 4 stars; one submission).

Conditions:
Hyper-IgM syndrome type 5 (HIGM5). Also called: Hyper-IgM Immunodeficiency Syndrome, Type 5. Identifiers: Orphanet 101092, MedGen C1720958, MONDO:0011971, OMIM 608106.

Allele frequency attached by ClinVar (database versions not stated): TOPMed 0.00005; gnomAD 0.00006 and 0.00007; ExAC 0.00008; gnomAD exomes 0.00010 and 0.00013; ESP Exome Variant Server 0.00038.
gnomAD v4.1: 204 of 1,614,212 alleles (0.013%); highest among the groups gnomAD compares: Non-Finnish European, 0.016%; no homozygotes.

Submission:

Labcorp Genetics (formerly Invitae), Labcorp
Classification: Uncertain significance for Hyper-IgM syndrome type 5. Last evaluated: 2025-01-13. Review status: criteria provided, single submitter. Criteria: Invitae Variant Classification Sherloc (09022015). Collection method: clinical testing. Allele origin: germline.
Comment: This sequence change replaces tryptophan, which is neutral and slightly polar, with arginine, which is basic and polar, at codon 241 of the UNG protein (p.Trp241Arg). This variant is present in population databases (rs150180082, gnomAD 0.02%). This variant has not been reported in the literature in individuals affected with UNG-related conditions. ClinVar contains an entry for this variant (Variation ID: 1060389). Invitae Evidence Modeling of protein sequence and biophysical properties (such as structural, functional, and spatial information, amino acid conservation, physicochemical variation, residue mobility, and thermodynamic stability) indicates that this missense variant is not expected to disrupt UNG protein function with a negative predictive value of 80%. In summary, the available evidence is currently insufficient to determine the role of this variant in disease. Therefore, it has been classified as a Variant of Uncertain Significance.

NM_080911.3(UNG):c.721T>C (p.Trp241Arg)

Gene: UNG (uracil DNA glycosylase; plus strand). Cytogenetic location: 12q24.11.
Variant type: single nucleotide variant.
Coding change: c.721T>C on transcript NM_080911.3 (MANE Select); coding-DNA position 721, T replaced by C.
Protein change: p.Trp241Arg; replaces tryptophan 241 with arginine.
Molecular consequence: missense variant.
Genome position (GRCh38, 1-based): chr12:109,103,531, T>C. VCF-style: chr12-109103531-T-C. GRCh37 (hg19) VCF-style: chr12-109541336-T-C.
Other names: c.694T>C, p.Trp232Arg (NM_003362.4); short protein forms W232R, W241R.
Identifiers: ClinVar variation 1060389 (VCV001060389.7), dbSNP rs150180082, ClinGen allele CA6772744.
Genomic context (GRCh38, chr12:109,103,531, plus strand): 5'-CATCAAGCCAACTCTCATAAGGAGCGAGGCTGGGAGCAGTTCACTGATGCAGTTGTGTCC[T>C]GGCTAAATCAGAACTCGAATGGCCTTGTTTTCTTGCTCTGGGGCTCTTATGCTCAGAAGA-3'
Protein context (NP_550433.1, residues 231-251): WEQFTDAVVS[Trp241Arg]LNQNSNGLVF